The following is an entry in ClinVar:

ClinVar aggregate classification (germline): Pathogenic (1 of 4 stars; one submission).

Conditions:
Combined oxidative phosphorylation defect type 14. Also called: Combined oxidative phosphorylation deficiency 14. Identifiers: Orphanet 319519, MedGen C4755312, MONDO:0013986, OMIM 614946.

Allele frequency attached by ClinVar (database versions not stated): gnomAD exomes below 0.00001; TOPMed below 0.00001; gnomAD 0.00001.
gnomAD v4.1: 2 of 1,614,032 alleles (0.00012%); highest among the groups gnomAD compares: African/African-American, 0.0013%; no homozygotes.

Submission:

Labcorp Genetics (formerly Invitae), Labcorp
Classification: Pathogenic for Combined oxidative phosphorylation defect type 14. Last evaluated: 2024-10-22. Review status: criteria provided, single submitter. Criteria: Invitae Variant Classification Sherloc (09022015). Collection method: clinical testing. Allele origin: germline.
Comment: This sequence change creates a premature translational stop signal (p.Gln60*) in the FARS2 gene. It is expected to result in an absent or disrupted protein product. Loss-of-function variants in FARS2 are known to be pathogenic (PMID: 22833457). This variant is not present in population databases (gnomAD no frequency). This variant has not been reported in the literature in individuals affected with FARS2-related conditions. ClinVar contains an entry for this variant (Variation ID: 2104661). For these reasons, this variant has been classified as Pathogenic.

Literature cited by the submitters: PubMed 22833457.

NM_006567.5(FARS2):c.178C>T (p.Gln60Ter)

Genes: FARS2 (phenylalanyl-tRNA synthetase 2, mitochondrial; plus strand), LOC126859565 (CDK7 strongly-dependent group 2 enhancer GRCh37_chr6:5368745-5369944; plus strand). Cytogenetic location: 6p25.1.
Variant type: single nucleotide variant.
Coding change: c.178C>T on transcript NM_006567.5 (MANE Select); coding-DNA position 178, C replaced by T.
Protein change: p.Gln60Ter; replaces glutamine 60 with a stop codon.
Molecular consequence: nonsense. On other transcripts: intron variant (2).
Genome position (GRCh38, 1-based): chr6:5,368,748, C>T. VCF-style: chr6-5368748-C-T. GRCh37 (hg19) VCF-style: chr6-5368981-C-T.
Other names: c.178C>T, p.Gln60Ter (NM_001318872.2, NM_001374875.1, NM_001374876.1 and 5 more transcripts); c.-340-27885C>T (NM_001375260.1); c.-84-35794C>T (NM_001375259.1); short protein forms Q60*.
Identifiers: ClinVar variation 2104661 (VCV002104661.4), dbSNP rs1187765069, ClinGen allele CA362734717.